The following is an entry in ClinVar:

ClinVar aggregate classification (germline): Uncertain significance (1 of 4 stars; one submission).

Submission:

GeneDx
Classification: Uncertain significance. Last evaluated: 2024-06-22. Review status: criteria provided, single submitter. Criteria: GeneDx Variant Classification Process June 2021. Collection method: clinical testing. Allele origin: germline. Affected: yes.
Comment: Not observed at significant frequency in large population cohorts (gnomAD); In silico analysis supports that this missense variant has a deleterious effect on protein structure/function; Has not been previously published as pathogenic or benign to our knowledge

NM_012309.5(SHANK2):c.3286A>T (p.Arg1096Trp)

Gene: SHANK2 (SH3 and multiple ankyrin repeat domains 2; minus strand). Cytogenetic location: 11q13.3.
Variant type: single nucleotide variant.
Coding change: c.3286A>T on transcript NM_012309.5 (MANE Select); coding-DNA position 3286, A replaced by T.
Protein change: p.Arg1096Trp; replaces arginine 1096 with tryptophan.
Molecular consequence: missense variant.
Genome position (GRCh38, 1-based): chr11:70,487,007, T>A on the plus strand (A>T on the coding strand, the complement: SHANK2 is on the minus strand). VCF-style: chr11-70487007-T-A. GRCh37 (hg19) VCF-style: chr11-70333112-T-A.
Other names: c.2149A>T, p.Arg717Trp (NM_001379226.1); c.1522A>T, p.Arg508Trp (NM_133266.5); short protein forms R1096W, R508W, R717W.
Identifiers: ClinVar variation 3391456 (VCV003391456.1).